The following is an entry in ClinVar:

ClinVar aggregate classification (germline): Uncertain significance. Review status: criteria provided, multiple submitters, no conflicts (2 of 4 stars). 2 submissions from 2 submitters: Uncertain significance (2). Last evaluated 2023-12-20.

Conditions:
Joubert syndrome 23 (JBTS23). Identifiers: Orphanet 475, MedGen C4084822, MONDO:0014664, OMIM 616490.
Short-rib thoracic dysplasia 14 with polydactyly (SRTD14). Identifiers: Orphanet 397715, MedGen C4225286, MONDO:0014688, OMIM 616546.

Allele frequency attached by ClinVar (database versions not stated): gnomAD exomes below 0.00001.
gnomAD v4.1: 1 of 1,600,174 alleles (0.000062%); highest among the groups gnomAD compares: South Asian, 0.0011%; no homozygotes.

Submissions (2):

GeneDx
Classification: Uncertain significance. Last evaluated: 2023-12-20. Review status: criteria provided, single submitter. Criteria: GeneDx Variant Classification Process June 2021. Collection method: clinical testing. Allele origin: germline. Affected: yes.
Comment: Not observed at significant frequency in large population cohorts (gnomAD); In silico analysis supports that this missense variant has a deleterious effect on protein structure/function; Has not been previously published as pathogenic or benign to our knowledge

Labcorp Genetics (formerly Invitae), Labcorp
Classification: Uncertain significance for Joubert syndrome 23; Short-rib thoracic dysplasia 14 with polydactyly. Last evaluated: 2021-09-03. Review status: criteria provided, single submitter. Criteria: Invitae Variant Classification Sherloc (09022015). Collection method: clinical testing. Allele origin: germline.
Comment: In summary, the available evidence is currently insufficient to determine the role of this variant in disease. Therefore, it has been classified as a Variant of Uncertain Significance. Algorithms developed to predict the effect of missense changes on protein structure and function are either unavailable or do not agree on the potential impact of this missense change (SIFT: "Tolerated"; PolyPhen-2: "Possibly Damaging"; Align-GVGD: "Class C0"). This variant has not been reported in the literature in individuals affected with KIAA0586-related conditions. This variant is not present in population databases (ExAC no frequency). This sequence change replaces glutamic acid with lysine at codon 119 of the KIAA0586 protein (p.Glu119Lys). The glutamic acid residue is moderately conserved and there is a small physicochemical difference between glutamic acid and lysine.

NM_001329943.3(KIAA0586):c.319G>A (p.Glu107Lys)

Gene: KIAA0586 (KIAA0586; plus strand). Cytogenetic location: 14q23.1.
Variant type: single nucleotide variant.
Coding change: c.319G>A on transcript NM_001329943.3 (MANE Select); coding-DNA position 319, G replaced by A.
Protein change: p.Glu107Lys; replaces glutamic acid 107 with lysine.
Molecular consequence: missense variant.
Genome position (GRCh38, 1-based): chr14:58,430,696, G>A. VCF-style: chr14-58430696-G-A. GRCh37 (hg19) VCF-style: chr14-58897414-G-A.
Other names: c.355G>A, p.Glu119Lys (NM_001244189.2); c.274G>A, p.Glu92Lys (NM_001244190.2); c.64G>A, p.Glu22Lys (NM_001244191.2, NM_001244192.2, NM_001329945.2 and 2 more transcripts); c.319G>A, p.Glu107Lys (NM_001329944.2, NM_001329946.2, NM_001329947.2 and 1 more transcripts); c.355G>A (NM_001244189.1); short protein forms E107K, E119K, E22K, E92K.
Identifiers: ClinVar variation 1375547 (VCV001375547.5), dbSNP rs2140404760, ClinGen allele CA389859617.